The following is an entry in ClinVar:

NM_001312909.2(FAM111A):c.401T>G (p.Ile134Ser)

Gene: FAM111A (FAM111 trypsin like peptidase A; plus strand). Cytogenetic location: 11q12.1.
Variant type: single nucleotide variant.
Coding change: c.401T>G on transcript NM_001312909.2 (MANE Select); coding-DNA position 401, T replaced by G.
Protein change: p.Ile134Ser; replaces isoleucine 134 with serine.
Molecular consequence: missense variant.
Genome position (GRCh38, 1-based): chr11:59,152,069, T>G. VCF-style: chr11-59152069-T-G. GRCh37 (hg19) VCF-style: chr11-58919542-T-G.
Other names: c.401T>G, p.Ile134Ser (NM_001142519.3, NM_001142520.3, NM_001142521.3 and 29 more transcripts); short protein forms I134S.
Identifiers: ClinVar variation 3005939 (VCV003005939.3), dbSNP rs1424223917, ClinGen allele CA380772838.
Genomic context (GRCh38, chr11:59,152,069, plus strand): 5'-TCAGAAAAGAGATAGAAACTCACCAAGGCCAAGAAATGCTTGTGCGTGGCACAGAAGGAA[T>G]CAAAGAGTACATAAACCTTGGAATGCCCCTCAGTTGTTTCCCTGAAGGTGGCCAGGTGGT-3'
Protein context (NP_001299838.1, residues 124-144): QEMLVRGTEG[Ile134Ser]KEYINLGMPL

ClinVar aggregate classification (germline): Uncertain significance (1 of 4 stars; one submission).

gnomAD v4.1: 1 of 1,614,158 alleles (0.000062%); no homozygotes.

Submission:

Labcorp Genetics (formerly Invitae), Labcorp
Classification: Uncertain significance. Last evaluated: 2026-01-12. Review status: criteria provided, single submitter. Criteria: Invitae Variant Classification Sherloc (09022015). Collection method: clinical testing. Allele origin: germline.
Comment: This sequence change replaces isoleucine, which is neutral and non-polar, with serine, which is neutral and polar, at codon 134 of the FAM111A protein (p.Ile134Ser). This variant is not present in population databases (gnomAD no frequency). This variant has not been reported in the literature in individuals affected with FAM111A-related conditions. ClinVar contains an entry for this variant (Variation ID: 3005939). Invitae Evidence Modeling of protein sequence and biophysical properties (such as structural, functional, and spatial information, amino acid conservation, physicochemical variation, residue mobility, and thermodynamic stability) indicates that this missense variant is not expected to disrupt FAM111A protein function with a negative predictive value of 80%. In summary, the available evidence is currently insufficient to determine the role of this variant in disease. Therefore, it has been classified as a Variant of Uncertain Significance.